The following is an entry in ClinVar:

NM_000211.5(ITGB2):c.2210G>A (p.Arg737His)

Gene: ITGB2 (integrin subunit beta 2; minus strand). Cytogenetic location: 21q22.3.
Variant type: single nucleotide variant.
Coding change: c.2210G>A on transcript NM_000211.5 (MANE Select); coding-DNA position 2210, G replaced by A.
Protein change: p.Arg737His; replaces arginine 737 with histidine.
Molecular consequence: missense variant.
Genome position (GRCh38, 1-based): chr21:44,886,773, C>T on the plus strand (G>A on the coding strand, the complement: ITGB2 is on the minus strand). VCF-style: chr21-44886773-C-T. GRCh37 (hg19) VCF-style: chr21-46306688-C-T.
Other names: c.2210G>A (LRG_76t1); c.2210G>A, p.Arg737His (NM_001127491.3); c.2003G>A, p.Arg668His (NM_001303238.2); short protein forms R737H, R668H.
Identifiers: ClinVar variation 340138 (VCV000340138.11), dbSNP rs138714119, ClinGen allele CA10062527.

ClinVar aggregate classification (germline): Uncertain significance. Review status: criteria provided, multiple submitters, no conflicts (2 of 4 stars). 3 submissions from 3 submitters: Uncertain significance (3). Last evaluated 2025-04-01.

Conditions:
Inborn genetic diseases. Identifiers: MedGen C0950123, MeSH D030342.
Leukocyte adhesion deficiency 1 (LAD1). Also called: LEUKOCYTE ADHESION DEFICIENCY, TYPE I; LAD 1; Lymphocyte function-associated antigen 1 immunodeficiency; LFA 1 immunodeficiency. Identifiers: Orphanet 2968, Orphanet 99842, MedGen C0398738, MONDO:0007293, OMIM 116920.

Allele frequency attached by ClinVar (database versions not stated): ExAC 0.00002; TOPMed 0.00004; gnomAD 0.00005 and 0.00006; ESP Exome Variant Server 0.00015.
gnomAD v4.1: 63 of 1,613,926 alleles (0.0039%); highest among the groups gnomAD compares: Non-Finnish European, 0.0047%; no homozygotes.

Submissions (3):

Ambry Genetics
Classification: Uncertain significance for Inborn genetic diseases. Last evaluated: 2025-04-01. Review status: criteria provided, single submitter. Criteria: Ambry Variant Classification Scheme 2023. Collection method: clinical testing. Allele origin: germline.

Labcorp Genetics (formerly Invitae), Labcorp
Classification: Uncertain significance for Leukocyte adhesion deficiency 1. Last evaluated: 2025-01-27. Review status: criteria provided, single submitter. Criteria: Invitae Variant Classification Sherloc (09022015). Collection method: clinical testing. Allele origin: germline.
Comment: This sequence change replaces arginine, which is basic and polar, with histidine, which is basic and polar, at codon 737 of the ITGB2 protein (p.Arg737His). This variant is present in population databases (rs138714119, gnomAD 0.007%). This variant has not been reported in the literature in individuals affected with ITGB2-related conditions. ClinVar contains an entry for this variant (Variation ID: 340138). Invitae Evidence Modeling of protein sequence and biophysical properties (such as structural, functional, and spatial information, amino acid conservation, physicochemical variation, residue mobility, and thermodynamic stability) indicates that this missense variant is expected to disrupt ITGB2 protein function with a positive predictive value of 80%. In summary, the available evidence is currently insufficient to determine the role of this variant in disease. Therefore, it has been classified as a Variant of Uncertain Significance.

Illumina Laboratory Services, Illumina
Classification: Uncertain significance for Leukocyte adhesion deficiency 1. Last evaluated: 2018-01-12. Review status: criteria provided, single submitter. Criteria: ICSL Variant Classification Criteria 13 December 2019. Collection method: clinical testing. Allele origin: germline.